The following is an entry in ClinVar:

NM_003242.6(TGFBR2):c.*3C>A

Gene: TGFBR2 (transforming growth factor beta receptor 2; plus strand). Cytogenetic location: 3p24.1.
Variant type: single nucleotide variant.
Coding change: c.*3C>A on transcript NM_003242.6 (MANE Select); 3 bases downstream of the stop codon, C replaced by A.
Molecular consequence: 3 prime UTR variant.
Genome position (GRCh38, 1-based): chr3:30,691,602, C>A. VCF-style: chr3-30691602-C-A. GRCh37 (hg19) VCF-style: chr3-30733094-C-A.
Other names: c.*3C>A (NM_001407133.1, NM_001407134.1, NM_001407135.1 and 11 more transcripts).
Identifiers: ClinVar variation 3071348 (VCV003071348.1), dbSNP rs1699711779, ClinGen allele CA1354881739.

ClinVar aggregate classification (germline): Uncertain significance (1 of 4 stars; one submission).

Conditions:
Loeys-Dietz syndrome 2 (LDS2). Also called: TGFBR2-Related Loeys-Dietz Syndrome; AORTIC ANEURYSM, FAMILIAL THORACIC 3; MARFAN SYNDROME, TYPE II; Marfan syndrome, type 2 (formerly); Marfan Syndrome type 2; Marfan like connective tissue disorder. Identifiers: Orphanet 284973, Orphanet 558, MedGen C2674574, MONDO:0012427, OMIM 610168.

Allele frequency attached by ClinVar (database versions not stated): TOPMed 0.00001.
gnomAD v4.1: 1 of 1,614,030 alleles (0.000062%); highest among the groups gnomAD compares: Admixed American, 0.0017%; no homozygotes.

Submission:

All of Us Research Program, National Institutes of Health
Classification: Uncertain significance for Loeys-Dietz syndrome 2. Last evaluated: 2023-05-30. Review status: criteria provided, single submitter. Criteria: ACMG Guidelines, 2015. Collection method: clinical testing. Allele origin: germline. Inheritance: Autosomal dominant inheritance. Observed: 1 variant allele, 1 heterozygote.
Comment: This variant is located in the 3' untranslated region of the TGFBR2 gene. To our knowledge, functional studies have not been reported for this variant. This variant has not been reported in individuals affected with TGFBR2-related disorders in the literature. This variant has not been identified in the general population by the Genome Aggregation Database (gnomAD). The available evidence is insufficient to determine the role of this variant in disease conclusively. Therefore, this variant is classified as a Variant of Uncertain Significance.

This study involves interpretation of variants in research participants for the purpose of population health screening. Participant phenotype was not available at the time of variant classification. Additional details can be found in publication PMID: 35346344, PMCID: PMC8962531